The following is an entry in ClinVar:

ClinVar aggregate classification (germline): Likely benign (0 of 4 stars; one submission).

Conditions:
ZFP36L2-related disorder. Also called: ZFP36L2-related condition.

Allele frequency attached by ClinVar (database versions not stated): ExAC 0.00002; gnomAD 0.00002; gnomAD exomes 0.00002; TOPMed 0.00002.

Submission:

PreventionGenetics, part of Exact Sciences
Classification: Likely benign for ZFP36L2-related condition. Last evaluated: 2020-07-01. Review status: no assertion criteria provided. Collection method: clinical testing. Allele origin: germline.
Comment: This variant is classified as likely benign based on ACMG/AMP sequence variant interpretation guidelines (Richards et al. 2015 PMID: 25741868, with internal and published modifications).

NM_006887.5(ZFP36L2):c.489G>A (p.Glu163=)

Gene: ZFP36L2 (ZFP36 ring finger protein like 2; minus strand). Cytogenetic location: 2p21.
Variant type: single nucleotide variant.
Coding change: c.489G>A on transcript NM_006887.5 (MANE Select); coding-DNA position 489, G replaced by A.
Protein change: p.Glu163=; no amino-acid change (glutamic acid 163 retained).
Molecular consequence: synonymous variant.
Genome position (GRCh38, 1-based): chr2:43,225,315, C>T on the plus strand (G>A on the coding strand, the complement: ZFP36L2 is on the minus strand). VCF-style: chr2-43225315-C-T. GRCh37 (hg19) VCF-style: chr2-43452454-C-T.
Identifiers: ClinVar variation 3036014 (VCV003036014.2), dbSNP rs776760038, ClinGen allele CA1631550.